The following is an entry in ClinVar:

ClinVar aggregate classification (germline): Conflicting classifications of pathogenicity. Review status: criteria provided, conflicting classifications (1 of 4 stars). 3 submissions from 3 submitters: Uncertain significance (1); Likely benign (2). Last evaluated 2025-09-04.

Conditions:
Frasier syndrome. Identifiers: Orphanet 347, MedGen C0950122, MeSH D052159, MONDO:0007635, OMIM 136680.
Wilms tumor 1 (WT1). Also called: Wilms tumor, somatic. Identifiers: Orphanet 654, MedGen CN033288, MONDO:0008679, OMIM 194070.
11p partial monosomy syndrome (WAGR). Also called: CHROMOSOME 11p13 DELETION SYNDROME; WAGR syndrome; WAGR Complex; WAGR Spectrum Disorder. Identifiers: Orphanet 893, MedGen C0206115, MONDO:0008681, OMIM 194072.
Drash syndrome (DDS). Also called: WILMS TUMOR AND PSEUDO- OR TRUE HERMAPHRODITISM; NEPHROPATHY, WILMS TUMOR, AND GENITAL ANOMALIES. Identifiers: Orphanet 220, MedGen C0950121, MONDO:0008682, OMIM 194080.

Submissions (3):

Color Diagnostics, LLC DBA Color Health
Classification: Likely benign for Wilms tumor 1. Last evaluated: 2025-09-04. Review status: criteria provided, single submitter. Criteria: ACMG Guidelines, 2015. Collection method: clinical testing. Allele origin: germline.

Labcorp Genetics (formerly Invitae), Labcorp
Classification: Likely benign for Wilms tumor 1; Drash syndrome; 11p partial monosomy syndrome; Frasier syndrome. Last evaluated: 2024-03-07. Review status: criteria provided, single submitter. Criteria: Invitae Variant Classification Sherloc (09022015). Collection method: clinical testing. Allele origin: germline.

All of Us Research Program, National Institutes of Health
Classification: Uncertain significance for Wilms tumor 1. Last evaluated: 2023-08-15. Review status: criteria provided, single submitter. Criteria: ACMG Guidelines, 2015. Collection method: clinical testing. Allele origin: germline. Inheritance: Autosomal dominant inheritance. Observed: 1 variant allele, 1 heterozygote.
Comment: This variant deletes two nucleotides at the -15 and -16 positions of intron 7 of the WT1 gene. To our knowledge, functional studies have not been reported for this variant. This variant has not been reported in individuals affected with WT1-related disorders in the literature. This variant has been identified in 1/251328 chromosomes in the general population by the Genome Aggregation Database (gnomAD). The available evidence is insufficient to determine the role of this variant in disease conclusively. Therefore, this variant is classified as a Variant of Uncertain Significance.

This study involves interpretation of variants in research participants for the purpose of population health screening. Participant phenotype was not available at the time of variant classification. Additional details can be found in publication PMID: 35346344, PMCID: PMC8962531

NM_024426.6(WT1):c.1265-16_1265-15del

Gene: WT1 (WT1 transcription factor; minus strand). Cytogenetic location: 11p13.
Variant type: Microsatellite.
Coding change: c.1265-16_1265-15del on transcript NM_024426.6 (MANE Select); 16 bases into the intron before coding-DNA position 1265 through 15 bases into the intron before coding-DNA position 1265, 2 bases deleted (AT; older notation c.1265-16_1265-15delAT).
Molecular consequence: intron variant.
Genome position (GRCh38, 1-based): chr11:32,392,770-32,392,771, AT deleted on the plus strand (AT on the coding strand, the reverse complement: WT1 is on the minus strand); deleting any 2 consecutive bases within chr11:32,392,770-32,392,773 gives the same sequence; the c. name uses the placement nearest the transcript's 3' end. VCF-style (leftmost placement, unchanged base first): chr11-32392769-CAT-C. GRCh37 (hg19) VCF-style: chr11-32414315-CAT-C.
Other names: c.1091-16_1091-15del (NM_001407050.1); c.1142-16_1142-15del (NM_001407047.1); c.1214-707_1214-706del (NM_001407048.1); c.1214-16_1214-15del (NM_001407049.1, NM_000378.6, NM_001407045.1); c.1259-16_1259-15del (NM_001407044.1); c.1265-16_1265-15del (NM_001407046.1, NM_024424.5); c.503-16_503-15del (NM_001407051.1); c.563-16_563-15del (NM_001198552.2); and 3 more.
Identifiers: ClinVar variation 1567001 (VCV001567001.11), dbSNP rs1447574915, ClinGen allele CA598392736.